The following is an entry in ClinVar:

ClinVar aggregate classification (germline): Uncertain significance. Review status: criteria provided, multiple submitters, no conflicts (2 of 4 stars). 2 submissions from 2 submitters: Uncertain significance (2). Last evaluated 2023-10-13.

Conditions:
Inborn genetic diseases. Identifiers: MedGen C0950123, MeSH D030342.

Submissions (2):

Ambry Genetics
Classification: Uncertain significance for Inborn genetic diseases. Last evaluated: 2023-10-13. Review status: criteria provided, single submitter. Criteria: Ambry Variant Classification Scheme 2023. Collection method: clinical testing. Allele origin: germline.

Laboratory for Molecular Medicine, Mass General Brigham Personalized Medicine
Classification: Uncertain significance. Last evaluated: 2017-07-20. Review status: criteria provided, single submitter. Criteria: LMM Criteria. Collection method: clinical testing. Allele origin: germline. Observed: 1 variant allele.
Comment: The p.Glu368Lys variant in PCDH15 has not been previously reported in individual s with hearing loss or in large population studies. Computational prediction too ls and conservation analyses do not provide strong support for or against an imp act to the protein. In summary, the clinical significance of the p.Glu368Lys var iant is uncertain.

NM_001384140.1(PCDH15):c.1102G>A (p.Glu368Lys)

Gene: PCDH15 (protocadherin related 15; minus strand). Cytogenetic location: 10q21.1.
Variant type: single nucleotide variant.
Coding change: c.1102G>A on transcript NM_001384140.1 (MANE Select); coding-DNA position 1102, G replaced by A.
Protein change: p.Glu368Lys; replaces glutamic acid 368 with lysine.
Molecular consequence: missense variant.
Genome position (GRCh38, 1-based): chr10:54,195,886, C>T on the plus strand (G>A on the coding strand, the complement: PCDH15 is on the minus strand). VCF-style: chr10-54195886-C-T. GRCh37 (hg19) VCF-style: chr10-55955646-C-T.
Other names: c.1117G>A, p.Glu373Lys (NM_001142763.2, NM_001142769.4, NM_001142771.2); c.1102G>A, p.Glu368Lys (NM_001142764.2, NM_001142765.2, NM_001142766.2 and 7 more transcripts); c.991G>A, p.Glu331Lys (NM_001142767.2); c.1036G>A, p.Glu346Lys (NM_001142768.2, NM_001142773.2, NM_001354404.2); short protein forms E368K, E331K, E373K, E346K.
Identifiers: ClinVar variation 517490 (VCV000517490.6), dbSNP rs1554833865, ClinGen allele CA376519852.